The following is an entry in ClinVar:

NM_019032.6(ADAMTSL4):c.1877A>G (p.Glu626Gly)

Genes: ADAMTSL4 (ADAMTS like 4; plus strand), ADAMTSL4-AS2 (ADAMTSL4 antisense RNA 2; minus strand). Cytogenetic location: 1q21.2.
Variant type: single nucleotide variant.
Coding change: c.1877A>G on transcript NM_019032.6 (MANE Select); coding-DNA position 1877, A replaced by G.
Protein change: p.Glu626Gly; replaces glutamic acid 626 with glycine.
Molecular consequence: missense variant. On other transcripts: intron variant (1).
Genome position (GRCh38, 1-based): chr1:150,557,165, A>G. VCF-style: chr1-150557165-A-G. GRCh37 (hg19) VCF-style: chr1-150529641-A-G.
Other names: c.1946A>G, p.Glu649Gly (NM_001288608.2); c.1877A>G, p.Glu626Gly (NM_001378596.1, NM_025008.5); c.1857-97A>G (NM_001288607.2); short protein forms E626G, E649G.
Identifiers: ClinVar variation 1945818 (VCV001945818.2), dbSNP rs1300325539, ClinGen allele CA342313511.

ClinVar aggregate classification (germline): Uncertain significance (1 of 4 stars; one submission).

Allele frequency attached by ClinVar (database versions not stated): gnomAD exomes 0.00002.
gnomAD v4.1: 28 of 1,611,784 alleles (0.0017%); highest among the groups gnomAD compares: Non-Finnish European, 0.0021%; no homozygotes.

Submission:

Labcorp Genetics (formerly Invitae), Labcorp
Classification: Uncertain significance. Last evaluated: 2022-10-13. Review status: criteria provided, single submitter. Criteria: Invitae Variant Classification Sherloc (09022015). Collection method: clinical testing. Allele origin: germline.
Comment: This sequence change replaces glutamic acid, which is acidic and polar, with glycine, which is neutral and non-polar, at codon 626 of the ADAMTSL4 protein (p.Glu626Gly). This variant is not present in population databases (gnomAD no frequency). This variant has not been reported in the literature in individuals affected with ADAMTSL4-related conditions. Advanced modeling of protein sequence and biophysical properties (such as structural, functional, and spatial information, amino acid conservation, physicochemical variation, residue mobility, and thermodynamic stability) performed at Invitae indicates that this missense variant is not expected to disrupt ADAMTSL4 protein function. Algorithms developed to predict the effect of sequence changes on RNA splicing suggest that this variant may create or strengthen a splice site. In summary, the available evidence is currently insufficient to determine the role of this variant in disease. Therefore, it has been classified as a Variant of Uncertain Significance.